The following is an entry in ClinVar:

ClinVar aggregate classification (germline): Likely benign (1 of 4 stars; one submission).

Allele frequency attached by ClinVar (database versions not stated): ESP Exome Variant Server 0.00123; gnomAD 0.00161; 1000 Genomes Project 0.00180; 1000 Genomes Project 30x 0.00187; ExAC 0.00198; TOPMed 0.00198; gnomAD exomes 0.00225.
gnomAD v4.1: 3,518 of 1,613,936 alleles (0.22%); highest among the groups gnomAD compares: South Asian, 0.42%; 8 homozygotes.

Submission:

CeGaT Center for Human Genetics Tuebingen
Classification: Likely benign. Last evaluated: 2023-02-01. Review status: criteria provided, single submitter. Criteria: CeGaT Center For Human Genetics Tuebingen Variant Classification Criteria Version 2. Collection method: clinical testing. Allele origin: germline. Affected: yes. Observed: 1 variant allele.
Comment: HUNK: BP4, BS2

NM_014586.2(HUNK):c.1280G>A (p.Arg427Gln)

Gene: HUNK (hormonally up-regulated Neu-associated kinase; plus strand). Cytogenetic location: 21q22.11.
Variant type: single nucleotide variant.
Coding change: c.1280G>A on transcript NM_014586.2 (MANE Select); coding-DNA position 1280, G replaced by A.
Protein change: p.Arg427Gln; replaces arginine 427 with glutamine.
Molecular consequence: missense variant.
Genome position (GRCh38, 1-based): chr21:31,990,151, G>A. VCF-style: chr21-31990151-G-A. GRCh37 (hg19) VCF-style: chr21-33362464-G-A.
Other names: short protein forms R427Q.
Identifiers: ClinVar variation 2652590 (VCV002652590.24), dbSNP rs139589973, ClinGen allele CA10000381.